The following is an entry in ClinVar:

ClinVar aggregate classification (germline): Uncertain significance (1 of 4 stars; one submission).

Conditions:
PCNT-related disorder. Also called: PCNT-related condition.

gnomAD v4.1: 5 of 1,613,780 alleles (0.00031%); highest among the groups gnomAD compares: Admixed American, 0.0067%; no homozygotes.

Submission:

PreventionGenetics, part of Exact Sciences
Classification: Uncertain significance for PCNT-related condition. Last evaluated: 2025-04-24. Review status: criteria provided, single submitter. Criteria: ACMG Guidelines, 2015. Collection method: clinical testing. Allele origin: germline.
Comment: The PCNT c.7162C>G variant is predicted to result in the amino acid substitution p.Arg2388Gly. To our knowledge, this variant has not been reported in the literature. This variant is reported in 0.0085% of alleles in individuals of Latino descent in gnomAD. At this time, the clinical significance of this variant is uncertain due to the absence of conclusive functional and genetic evidence.

NM_006031.6(PCNT):c.7162C>G (p.Arg2388Gly)

Gene: PCNT (pericentrin; plus strand). Cytogenetic location: 21q22.3.
Variant type: single nucleotide variant.
Coding change: c.7162C>G on transcript NM_006031.6 (MANE Select); coding-DNA position 7162, C replaced by G.
Protein change: p.Arg2388Gly; replaces arginine 2388 with glycine.
Molecular consequence: missense variant.
Genome position (GRCh38, 1-based): chr21:46,422,107, C>G. VCF-style: chr21-46422107-C-G. GRCh37 (hg19) VCF-style: chr21-47842021-C-G.
Other names: c.6808C>G, p.Arg2270Gly (NM_001315529.2); short protein forms R2270G, R2388G.
Identifiers: ClinVar variation 4987759 (VCV004987759.1).